The following is an entry in ClinVar:

NC_000019.9:g.(?_3771505)_(3771740_?)del

Gene: RAX2 (retina and anterior neural fold homeobox 2; minus strand). Cytogenetic location: 19p13.3.
Variant type: Deletion.
Identifiers: ClinVar variation 3242722 (VCV003242722.1).

ClinVar aggregate classification (germline): Pathogenic (1 of 4 stars; one submission).

Submission:

Labcorp Genetics (formerly Invitae), Labcorp
Classification: Pathogenic. Last evaluated: 2023-04-15. Review status: criteria provided, single submitter. Criteria: Invitae Variant Classification Sherloc (09022015). Collection method: clinical testing. Allele origin: unknown.
Comment: This variant is a gross deletion of the genomic region encompassing exon(s) 2 of the RAX2 gene, which includes the initiator codon. This deletion extends beyond the assayed region for this gene and therefore may encompass additional genes. It is expected to result in an absent or disrupted protein product. Loss-of-function variants in RAX2 are known to be pathogenic (PMID: 30377383). For these reasons, this variant has been classified as Pathogenic. This variant has not been reported in the literature in individuals affected with RAX2-related conditions.

Literature cited by the submitters: PubMed 30377383.